The following is an entry in ClinVar:

ClinVar aggregate classification (germline): Uncertain significance (1 of 4 stars; one submission).

Conditions:
Hereditary cancer-predisposing syndrome. Also called: Hereditary Cancer Syndrome; Neoplastic Syndromes, Hereditary; Tumor predisposition; Hereditary neoplastic syndrome. Identifiers: Orphanet 140162, MedGen C0027672, MeSH D009386, MONDO:0015356.

Submission:

Ambry Genetics
Classification: Uncertain significance for Hereditary cancer-predisposing syndrome. Last evaluated: 2021-03-23. Review status: criteria provided, single submitter. Criteria: Ambry Variant Classification Scheme 2023. Collection method: clinical testing. Allele origin: germline.
Comment: The p.S1695Y variant (also known as c.5084C>A), located in coding exon 33 of the ATM gene, results from a C to A substitution at nucleotide position 5084. The serine at codon 1695 is replaced by tyrosine, an amino acid with dissimilar properties. This amino acid position is not well conserved in available vertebrate species. In addition, this alteration is predicted to be tolerated by in silico analysis. Since supporting evidence is limited at this time, the clinical significance of this alteration remains unclear.

NM_000051.4(ATM):c.5084C>A (p.Ser1695Tyr)

Gene: ATM (ATM serine/threonine kinase; plus strand). Cytogenetic location: 11q22.3.
Variant type: single nucleotide variant.
Coding change: c.5084C>A on transcript NM_000051.4 (MANE Select); coding-DNA position 5084, C replaced by A.
Protein change: p.Ser1695Tyr; replaces serine 1695 with tyrosine.
Molecular consequence: missense variant.
Genome position (GRCh38, 1-based): chr11:108,299,792, C>A. VCF-style: chr11-108299792-C-A. GRCh37 (hg19) VCF-style: chr11-108170519-C-A.
Other names: c.5084C>A, p.Ser1695Tyr (NM_001351834.2); short protein forms S1695Y.
Identifiers: ClinVar variation 1745234 (VCV001745234.2), dbSNP rs2083328465, ClinGen allele CA382540642.